The following is an entry in ClinVar:

ClinVar aggregate classification (germline): Uncertain significance (1 of 4 stars; one submission).

Submission:

Ambry Genetics
Classification: Uncertain significance. Last evaluated: 2024-02-25. Review status: criteria provided, single submitter. Criteria: Ambry Variant Classification Scheme 2023. Collection method: clinical testing. Allele origin: germline.
Comment: The p.R1873K variant (also known as c.5618G>A), located in coding exon 16 of the POLQ gene, results from a G to A substitution at nucleotide position 5618. The arginine at codon 1873 is replaced by lysine, an amino acid with highly similar properties. This amino acid position is conserved. In addition, this alteration is predicted to be tolerated by in silico analysis. Since supporting evidence is limited at this time, the clinical significance of this alteration remains unclear.

NM_199420.4(POLQ):c.5618G>A (p.Arg1873Lys)

Gene: POLQ (DNA polymerase theta; minus strand). Cytogenetic location: 3q13.33.
Variant type: single nucleotide variant.
Coding change: c.5618G>A on transcript NM_199420.4 (MANE Select); coding-DNA position 5618, G replaced by A.
Protein change: p.Arg1873Lys; replaces arginine 1873 with lysine.
Molecular consequence: missense variant.
Genome position (GRCh38, 1-based): chr3:121,487,313, C>T on the plus strand (G>A on the coding strand, the complement: POLQ is on the minus strand). VCF-style: chr3-121487313-C-T. GRCh37 (hg19) VCF-style: chr3-121206160-C-T.
Other names: short protein forms R1873K.
Identifiers: ClinVar variation 1748659 (VCV001748659.2), dbSNP rs2546784495, ClinGen allele CA354089788.